The following is an entry in ClinVar:

NM_002907.4(RECQL):c.642T>A (p.Thr214=)

Gene: RECQL (RecQ like helicase; minus strand). Cytogenetic location: 12p12.1.
Variant type: single nucleotide variant.
Coding change: c.642T>A on transcript NM_002907.4 (MANE Select); coding-DNA position 642, T replaced by A.
Protein change: p.Thr214=; no amino-acid change (threonine 214 retained).
Molecular consequence: synonymous variant.
Genome position (GRCh38, 1-based): chr12:21,483,434, A>T on the plus strand (T>A on the coding strand, the complement: RECQL is on the minus strand). VCF-style: chr12-21483434-A-T. GRCh37 (hg19) VCF-style: chr12-21636368-A-T.
Other names: c.642T>A, p.Thr214= (NM_032941.3).
Identifiers: ClinVar variation 1598150 (VCV001598150.13), dbSNP rs113128126, ClinGen allele CA6479023.
Genomic context (GRCh38, chr12:21,483,434, plus strand): 5'-ACCAGGTCTGAAATCATGTCCCCACTGACTACAGCAGTGAACTTCATCCACAGCAATTCG[A>T]GTAAATCTCCTTGCTTCATAGGCTTTCTCTAGTCTTGACATAAACATTTTGCTTTTTGCA-3'
Protein context (NP_002898.2, residues 204-224): LEKAYEARRF[Thr214=]RIAVDEVHCC

ClinVar aggregate classification (germline): Likely benign. Review status: criteria provided, multiple submitters, no conflicts (2 of 4 stars). 4 submissions from 4 submitters: Likely benign (4). Last evaluated 2026-07-01.

gnomAD v4.1: 10 of 1,606,696 alleles (0.00062%); highest among the groups gnomAD compares: Admixed American, 0.017%; no homozygotes.

Submissions (4):

CeGaT Center for Human Genetics Tuebingen
Classification: Likely benign. Last evaluated: 2026-07-01. Review status: criteria provided, single submitter. Criteria: CeGaT Center For Human Genetics Tuebingen Variant Classification Criteria Version 2. Collection method: clinical testing. Allele origin: germline. Affected: yes. Observed: 1 variant allele.
Comment: RECQL: BP4, BP7

Quest Diagnostics Nichols Institute San Juan Capistrano
Classification: Likely benign. Last evaluated: 2025-11-10. Review status: criteria provided, single submitter. Criteria: Quest Diagnostics criteria. Collection method: clinical testing. Allele origin: unknown.

Labcorp Genetics (formerly Invitae), Labcorp
Classification: Likely benign. Last evaluated: 2025-05-18. Review status: criteria provided, single submitter. Criteria: Invitae Variant Classification Sherloc (09022015). Collection method: clinical testing. Allele origin: germline.

Ambry Genetics
Classification: Likely benign. Last evaluated: 2022-08-07. Review status: criteria provided, single submitter. Criteria: Ambry Variant Classification Scheme 2023. Collection method: clinical testing. Allele origin: germline.